The following is an entry in ClinVar:

NM_182746.3(MCM4):c.442C>G (p.Gln148Glu)

Gene: MCM4 (minichromosome maintenance complex component 4; plus strand). Cytogenetic location: 8q11.21.
Variant type: single nucleotide variant.
Coding change: c.442C>G on transcript NM_182746.3 (MANE Select); coding-DNA position 442, C replaced by G.
Protein change: p.Gln148Glu; replaces glutamine 148 with glutamic acid.
Molecular consequence: missense variant.
Genome position (GRCh38, 1-based): chr8:47,962,347, C>G. VCF-style: chr8-47962347-C-G. GRCh37 (hg19) VCF-style: chr8-48874907-C-G.
Other names: c.442C>G, p.Gln148Glu (NM_005914.4); short protein forms Q148E.
Identifiers: ClinVar variation 2996812 (VCV002996812.3), dbSNP rs1374455399, ClinGen allele CA371145837.
Genomic context (GRCh38, chr8:47,962,347, plus strand): 5'-TCATGTTTTTCTGTGTAGGCAGCAGCAGAAGATATAGTGGCAAGTGAGCAGTCTCTAGGC[C>G]AAAAACTTGTGATCTGGGGAACAGATGTAAATGTGGCAGCATGCAAAGAAAACTTTCAGG-3'
Protein context (NP_877423.1, residues 138-158): DIVASEQSLG[Gln148Glu]KLVIWGTDVN

ClinVar aggregate classification (germline): Uncertain significance (1 of 4 stars; one submission).

gnomAD v4.1: 7 of 1,614,194 alleles (0.00043%); highest among the groups gnomAD compares: Non-Finnish European, 0.00059%; no homozygotes.

Submission:

Labcorp Genetics (formerly Invitae), Labcorp
Classification: Uncertain significance. Last evaluated: 2025-02-24. Review status: criteria provided, single submitter. Criteria: Invitae Variant Classification Sherloc (09022015). Collection method: clinical testing. Allele origin: germline.
Comment: This sequence change replaces glutamine, which is neutral and polar, with glutamic acid, which is acidic and polar, at codon 148 of the MCM4 protein (p.Gln148Glu). This variant is present in population databases (no rsID available, gnomAD 0.002%), including at least one homozygous and/or hemizygous individual. This variant has not been reported in the literature in individuals affected with MCM4-related conditions. ClinVar contains an entry for this variant (Variation ID: 2996812). An algorithm developed to predict the effect of missense changes on protein structure and function (PolyPhen-2) suggests that this variant is likely to be tolerated. In summary, the available evidence is currently insufficient to determine the role of this variant in disease. Therefore, it has been classified as a Variant of Uncertain Significance.